The following is an entry in ClinVar:

NM_001199799.2(ILDR1):c.745del (p.Ser249fs)

Gene: ILDR1 (immunoglobulin like domain containing receptor 1; minus strand). Cytogenetic location: 3q13.33.
Variant type: Deletion.
Coding change: c.745del on transcript NM_001199799.2 (MANE Select); coding-DNA position 745, one base deleted (T; older notation c.745delT).
Protein change: p.Ser249fs; shifts the reading frame from serine 249.
Molecular consequence: frameshift variant. On other transcripts: intron variant (1).
Genome position (GRCh38, 1-based): chr3:121,994,215, A deleted on the plus strand (T on the coding strand, the reverse complement: ILDR1 is on the minus strand); the first of 3 consecutive A bases (chr3:121,994,215-121,994,217); deleting any one gives the same sequence. VCF-style (leftmost placement, unchanged base first): chr3-121994214-GA-G. GRCh37 (hg19) VCF-style: chr3-121713061-GA-G.
Other names: c.478del, p.Ser160fs (NM_001199800.2); c.647-245del (NM_175924.4); short protein forms S249fs, S160fs.
Identifiers: ClinVar variation 523424 (VCV000523424.11), dbSNP rs571007078, ClinGen allele CA82735858.

ClinVar aggregate classification (germline): Pathogenic/Likely pathogenic. Review status: criteria provided, multiple submitters, no conflicts (2 of 4 stars). 5 submissions from 5 submitters: Pathogenic (1); Likely pathogenic (4). Last evaluated 2026-03-18.

Conditions:
Congenital sensorineural hearing impairment. Identifiers: MedGen C1865866, HP:0008527.
Autosomal recessive nonsyndromic hearing loss 42. Identifiers: Orphanet 90636, MedGen C1864818, MONDO:0012326, OMIM 609646.
ILDR1-related disorders.
ILDR1-related disorder. Also called: ILDR1-related condition.

Submissions (5):

PreventionGenetics, part of Exact Sciences
Classification: Likely pathogenic for ILDR1-related condition. Last evaluated: 2026-03-18. Review status: criteria provided, single submitter. Criteria: ACMG Guidelines, 2015. Collection method: clinical testing. Allele origin: germline.
Comment: The ILDR1 c.745delT variant is predicted to result in a frameshift and premature protein termination (p.Ser249Hisfs*24). To our knowledge, this variant has not been reported in the literature. This variant is reported in 0.0066% of alleles in individuals of African descent in gnomAD. Frameshift variants in ILDR1 are expected to be pathogenic. This variant is interpreted as likely pathogenic.

Labcorp Genetics (formerly Invitae), Labcorp
Classification: Pathogenic. Last evaluated: 2025-10-02. Review status: criteria provided, single submitter. Criteria: Invitae Variant Classification Sherloc (09022015). Collection method: clinical testing. Allele origin: germline.
Comment: This sequence change creates a premature translational stop signal (p.Ser249Hisfs*24) in the ILDR1 gene. It is expected to result in an absent or disrupted protein product. Loss-of-function variants in ILDR1 are known to be pathogenic (PMID: 21255762). This variant is present in population databases (rs571007078, gnomAD 0.007%). This variant has not been reported in the literature in individuals affected with ILDR1-related conditions. ClinVar contains an entry for this variant (Variation ID: 523424). For these reasons, this variant has been classified as Pathogenic.

Blueprint Genetics
Classification: Likely pathogenic for ILDR1-related disorders. Last evaluated: 2024-04-22. Review status: criteria provided, single submitter. Criteria: ACMG Guidelines, 2015. Collection method: clinical testing. Allele origin: germline. Affected: yes. Observed: 5 variant alleles.

Fulgent Genetics
Classification: Likely pathogenic for Autosomal recessive nonsyndromic hearing loss 42. Last evaluated: 2022-01-03. Review status: criteria provided, single submitter. Criteria: ACMG Guidelines, 2015. Collection method: clinical testing. Allele origin: unknown.

Centre for Mendelian Genomics, University Medical Centre Ljubljana
Classification: Likely pathogenic for Congenital sensorineural hearing impairment. Last evaluated: 2017-01-01. Review status: criteria provided, single submitter. Criteria: ACMG Guidelines, 2015. Collection method: clinical testing. Allele origin: unknown. Affected: yes.

Literature cited by the submitters: PubMed 21255762 (cited by Labcorp Genetics (formerly Invitae), Labcorp).